The following is an entry in ClinVar:

NM_003978.5(PSTPIP1):c.1248_1249del (p.Ter417ArgextTer?)

Gene: PSTPIP1 (proline-serine-threonine phosphatase interacting protein 1; plus strand). Cytogenetic location: 15q24.3.
Variant type: Deletion.
Coding change: c.1248_1249del on transcript NM_003978.5 (MANE Select); coding-DNA positions 1248 to 1249, 2 bases deleted (TT; older notation c.1248_1249delTT).
Protein change: p.Ter417ArgextTer?.
Molecular consequence: frameshift variant. On other transcripts: non-coding transcript variant (1).
Genome position (GRCh38, 1-based): chr15:77,037,173-77,037,174, TT deleted; deleting any 2 consecutive bases within chr15:77,037,172-77,037,174 gives the same sequence; the c. name uses the placement nearest the transcript's 3' end. VCF-style (leftmost placement, unchanged base first): chr15-77037171-CTT-C. GRCh37 (hg19) VCF-style: chr15-77329512-CTT-C.
Other names: c.1191_1192del, p.Ter398ArgextTer? (NM_001321135.2); c.1221_1222del, p.Ter408ArgextTer? (NM_001321136.2); c.1443_1444del, p.Ter482ArgextTer? (NM_001321137.1); c.1239_1240del, p.Ter414ArgextTer? (NM_001411086.1); c.1248_1249delTT (NM_003978.5).
Identifiers: ClinVar variation 4525778 (VCV004525778.2).

ClinVar aggregate classification (germline): Uncertain significance (1 of 4 stars; one submission).

Submission:

Women's Health and Genetics/Laboratory Corporation of America, LabCorp
Classification: Uncertain significance. Last evaluated: 2026-04-16. Review status: criteria provided, single submitter. Criteria: LabCorp Variant Classification Summary - May 2015. Collection method: clinical testing. Allele origin: germline.
Comment: Variant summary: PSTPIP1 c.1248_1249delTT (p.X417ArgfsX46) causes a frameshift which results in an extension of the protein. The variant was absent in 231070 control chromosomes. The available data on variant occurrences in the general population are insufficient to allow any conclusion about variant significance. To our knowledge, no occurrence of c.1248_1249delTT in individuals affected with PSTPIP1-related conditions and no experimental evidence demonstrating its impact on protein function have been reported. No submitters have cited clinical-significance assessments for this variant to ClinVar. Based on the evidence outlined above, the variant was classified as uncertain significance.